The following is an entry in ClinVar:

NM_015443.4(KANSL1):c.3091-119G>C

Gene: KANSL1 (KAT8 regulatory NSL complex subunit 1). Cytogenetic location: 17q21.31.
Variant type: single nucleotide variant.
Coding change: c.3091-119G>C on transcript NM_015443.4 (MANE Select); 119 bases into the intron before coding-DNA position 3091, G replaced by C.
Molecular consequence: intron variant.
Genome position (GRCh38, 1-based): chr17:46,031,822, C>G on the plus strand (G>C on the coding strand, the complement: KANSL1 is on the minus strand). VCF-style: chr17-46031822-C-G. GRCh37 (hg19) VCF-style: chr17-44109188-C-G.
Other names: c.3088-119G>C (NM_001193465.2); c.3091-119G>C (NM_001379198.1, NM_001193466.2).
Identifiers: ClinVar variation 675101 (VCV000675101.2), dbSNP rs17574425, ClinGen allele CA14404204.

ClinVar aggregate classification (germline): Benign. Review status: criteria provided, multiple submitters, no conflicts (2 of 4 stars). 2 submissions from 2 submitters: Benign (2). Last evaluated 2018-06-14.

Allele frequency attached by ClinVar (database versions not stated): 1000 Genomes Project 30x 0.08542; 1000 Genomes Project 0.08626; gnomAD 0.12591; TOPMed 0.14811.
gnomAD v4.1: 196,312 of 1,090,088 alleles (18%); highest among the groups gnomAD compares: Non-Finnish European, 22%; 20,849 homozygotes.

Submissions (2):

GeneDx
Classification: Benign. Last evaluated: 2018-06-14. Review status: criteria provided, single submitter. Criteria: GeneDx Variant Classification (06012015). Collection method: clinical testing. Allele origin: germline. Affected: yes.
Comment: This variant is considered likely benign or benign based on one or more of the following criteria: it is a conservative change, it occurs at a poorly conserved position in the protein, it is predicted to be benign by multiple in silico algorithms, and/or has population frequency not consistent with disease.

Breakthrough Genomics
Classification: Benign. Review status: criteria provided, single submitter. Criteria: ACMG Guidelines, 2015. Collection method: not provided. Allele origin: germline. Inheritance: Autosomal dominant inheritance. Affected: yes.